The following is an entry in ClinVar:

NM_003072.5(SMARCA4):c.1119-12C>T

Gene: SMARCA4 (SWI/SNF related BAF chromatin remodeling complex subunit ATPase 4; plus strand). Cytogenetic location: 19p13.2.
Variant type: single nucleotide variant.
Coding change: c.1119-12C>T on transcript NM_003072.5 (MANE Select); 12 bases into the intron before coding-DNA position 1119, C replaced by T.
Molecular consequence: intron variant.
Genome position (GRCh38, 1-based): chr19:10,989,305, C>T. VCF-style: chr19-10989305-C-T. GRCh37 (hg19) VCF-style: chr19-11099981-C-T.
Other names: c.1119-12C>T (NM_001128849.2, NM_001128844.3, NM_001128849.3 and 6 more transcripts).
Identifiers: ClinVar variation 328024 (VCV000328024.28), dbSNP rs113870824, ClinGen allele CA9203699.

ClinVar aggregate classification (germline): Benign/Likely benign. Review status: criteria provided, multiple submitters, no conflicts (2 of 4 stars). 9 submissions from 9 submitters: Benign (6); Likely benign (3). Last evaluated 2026-07-09.

Conditions:
Rhabdoid tumor predisposition syndrome 2 (RTPS2). Identifiers: Orphanet 231108, Orphanet 69077, MedGen C2750074, MONDO:0013224, OMIM 613325.
Intellectual disability, autosomal dominant 16 (CSS4). Also called: COFFIN-SIRIS SYNDROME 4. Identifiers: Orphanet 1465, MedGen C3553249, MONDO:0013821, OMIM 614609.
Coffin-Siris syndrome. Identifiers: Orphanet 1465, MedGen C0265338, MONDO:0015452.

Allele frequency attached by ClinVar (database versions not stated): ExAC 0.00129; gnomAD 0.00368 and 0.00387; ESP Exome Variant Server 0.00377; 1000 Genomes Project 30x 0.00297; 1000 Genomes Project 0.00319; TOPMed 0.00405; gnomAD exomes 0.00097.
gnomAD v4.1: 1,199 of 1,613,812 alleles (0.074%); highest among the groups gnomAD compares: African/African-American, 1.3%; 17 homozygotes.

Submissions (9):

Myriad Genetics, Inc.
Classification: Benign for Rhabdoid tumor predisposition syndrome 2. Last evaluated: 2026-07-09. Review status: criteria provided, single submitter. Criteria: Myriad Autosomal Dominant, Autosomal Recessive and X-Linked Classification Criteria (2023). Collection method: clinical testing. Allele origin: unknown.
Comment: This variant is considered benign. This variant is intronic and is not expected to impact mRNA splicing. This variant has been observed at a population frequency that is significantly greater than expected given the associated disease prevalence and penetrance.

Labcorp Genetics (formerly Invitae), Labcorp
Classification: Benign for Rhabdoid tumor predisposition syndrome 2. Last evaluated: 2026-02-04. Review status: criteria provided, single submitter. Criteria: Invitae Variant Classification Sherloc (09022015). Collection method: clinical testing. Allele origin: germline.

Genomic Medicine Center of Excellence, King Faisal Specialist Hospital and Research Centre
Classification: Likely benign. Last evaluated: 2025-08-18. Review status: criteria provided, single submitter. Criteria: ACMG Guidelines, 2015. Collection method: clinical testing. Allele origin: germline.

ARUP Laboratories, Molecular Genetics and Genomics, ARUP Laboratories
Classification: Benign. Last evaluated: 2025-05-01. Review status: criteria provided, single submitter. Criteria: ARUP Molecular Germline Variant Investigation Process 2024. Collection method: clinical testing. Allele origin: germline.

Blueprint Genetics
Classification: Likely benign. Last evaluated: 2024-11-25. Review status: criteria provided, single submitter. Criteria: ACMG Guidelines, 2015. Collection method: clinical testing. Allele origin: germline.

Fulgent Genetics
Classification: Likely benign for Rhabdoid tumor predisposition syndrome 2; Intellectual disability, autosomal dominant 16. Last evaluated: 2022-05-13. Review status: criteria provided, single submitter. Criteria: ACMG Guidelines, 2015. Collection method: clinical testing. Allele origin: unknown.

Genome-Nilou Lab
Classification: Benign for Intellectual disability, autosomal dominant 16. Last evaluated: 2021-07-15. Review status: criteria provided, single submitter. Criteria: ACMG Guidelines, 2015. Collection method: clinical testing. Allele origin: germline. Affected: no.

GeneDx
Classification: Benign. Last evaluated: 2019-03-06. Review status: criteria provided, single submitter. Criteria: GeneDx Variant Classification Process June 2021. Collection method: clinical testing. Allele origin: germline. Affected: yes.

Illumina Laboratory Services, Illumina
Classification: Benign for Coffin-Siris syndrome. Last evaluated: 2018-01-13. Review status: criteria provided, single submitter. Criteria: ICSL Variant Classification Criteria 13 December 2019. Collection method: clinical testing. Allele origin: germline.
Comment: This variant was observed in the ICSL laboratory as part of a predisposition screen in an ostensibly healthy population. It had not been previously curated by ICSL or reported in the Human Gene Mutation Database (HGMD: prior to June 1st, 2018), and was therefore a candidate for classification through an automated scoring system. Utilizing variant allele frequency, disease prevalence and penetrance estimates, and inheritance mode, an automated score was calculated to assess if this variant is too frequent to cause the disease. Based on the score and internal cut-off values, a variant classified as benign is not then subjected to further curation. The score for this variant resulted in a classification of benign for this disease.